The following is an entry in ClinVar:

ClinVar aggregate classification (germline): Uncertain significance (1 of 4 stars; one submission).

Conditions:
Hypoinsulinemic hypoglycemia and body hemihypertrophy. Also called: Hypoinsulinemic hypoglycemia and hemihypertrophy. Identifiers: Orphanet 293964, MedGen C3278384, MONDO:0009416, OMIM 240900.
Type 2 diabetes mellitus. Also called: Type II diabetes mellitus. Identifiers: MedGen C0011860, MeSH D003924, MONDO:0005148, OMIM 125853, HP:0005978.

gnomAD v4.1: 6 of 1,614,066 alleles (0.00037%); highest among the groups gnomAD compares: Non-Finnish European, 0.00051%; no homozygotes.

Submission:

Labcorp Genetics (formerly Invitae), Labcorp
Classification: Uncertain significance for Hypoinsulinemic hypoglycemia and body hemihypertrophy; Type 2 diabetes mellitus. Last evaluated: 2025-04-21. Review status: criteria provided, single submitter. Criteria: Invitae Variant Classification Sherloc (09022015). Collection method: clinical testing. Allele origin: germline.
Comment: This sequence change replaces isoleucine, which is neutral and non-polar, with valine, which is neutral and non-polar, at codon 291 of the AKT2 protein (p.Ile291Val). This variant is present in population databases (rs762379584, gnomAD 0.0009%). This missense change has been observed in individual(s) with dyslipidemia (PMID: 32041611). ClinVar contains an entry for this variant (Variation ID: 3758273). An algorithm developed to predict the effect of missense changes on protein structure and function (PolyPhen-2) suggests that this variant is likely to be disruptive. In summary, the available evidence is currently insufficient to determine the role of this variant in disease. Therefore, it has been classified as a Variant of Uncertain Significance.

Literature cited by the submitters: PubMed 32041611.

NM_001626.6(AKT2):c.871A>G (p.Ile291Val)

Gene: AKT2 (AKT serine/threonine kinase 2; minus strand). Cytogenetic location: 19q13.2.
Variant type: single nucleotide variant.
Coding change: c.871A>G on transcript NM_001626.6 (MANE Select); coding-DNA position 871, A replaced by G.
Protein change: p.Ile291Val; replaces isoleucine 291 with valine.
Molecular consequence: missense variant. On other transcripts: intron variant (1).
Genome position (GRCh38, 1-based): chr19:40,236,346, T>C on the plus strand (A>G on the coding strand, the complement: AKT2 is on the minus strand). VCF-style: chr19-40236346-T-C. GRCh37 (hg19) VCF-style: chr19-40742253-T-C.
Other names: c.685A>G, p.Ile229Val (NM_001243027.3, NM_001243028.3); c.832-242A>G (NM_001330511.1); short protein forms I229V, I291V.
Identifiers: ClinVar variation 3758273 (VCV003758273.2).